The following is an entry in ClinVar:

NM_001128840.3(CACNA1D):c.3724A>G (p.Met1242Val)

Gene: CACNA1D (calcium voltage-gated channel subunit alpha1 D; plus strand). Cytogenetic location: 3p21.1.
Variant type: single nucleotide variant.
Coding change: c.3724A>G on transcript NM_001128840.3 (MANE Select); coding-DNA position 3724, A replaced by G.
Protein change: p.Met1242Val; replaces methionine 1242 with valine.
Molecular consequence: missense variant.
Genome position (GRCh38, 1-based): chr3:53,753,620, A>G. VCF-style: chr3-53753620-A-G. GRCh37 (hg19) VCF-style: chr3-53787647-A-G.
Other names: c.3784A>G, p.Met1262Val (NM_000720.4); c.3724A>G, p.Met1242Val (NM_001128839.3); short protein forms M1262V, M1242V.
Identifiers: ClinVar variation 4217789 (VCV004217789.2).

ClinVar aggregate classification (germline): Uncertain significance. Review status: criteria provided, multiple submitters, no conflicts (2 of 4 stars). 2 submissions from 2 submitters: Uncertain significance (2). Last evaluated 2025-08-21.

Conditions:
Inborn genetic diseases. Identifiers: MedGen C0950123, MeSH D030342.

Submissions (2):

Ambry Genetics
Classification: Uncertain significance for Inborn genetic diseases. Last evaluated: 2025-08-21. Review status: criteria provided, single submitter. Criteria: Ambry Variant Classification Scheme 2023. Collection method: clinical testing. Allele origin: germline.

Labcorp Genetics (formerly Invitae), Labcorp
Classification: Uncertain significance. Last evaluated: 2025-04-27. Review status: criteria provided, single submitter. Criteria: Invitae Variant Classification Sherloc (09022015). Collection method: clinical testing. Allele origin: germline.
Comment: This sequence change replaces methionine, which is neutral and non-polar, with valine, which is neutral and non-polar, at codon 1262 of the CACNA1D protein (p.Met1262Val). This variant is not present in population databases (gnomAD no frequency). This variant has not been reported in the literature in individuals affected with CACNA1D-related conditions. Invitae Evidence Modeling of protein sequence and biophysical properties (such as structural, functional, and spatial information, amino acid conservation, physicochemical variation, residue mobility, and thermodynamic stability) indicates that this missense variant is not expected to disrupt CACNA1D protein function with a negative predictive value of 80%. In summary, the available evidence is currently insufficient to determine the role of this variant in disease. Therefore, it has been classified as a Variant of Uncertain Significance.